The following is an entry in ClinVar:

ClinVar aggregate classification (germline): Likely pathogenic (1 of 4 stars; one submission).

Conditions:
Gaucher disease. Also called: Acute cerebral Gaucher disease; Cerebroside lipidosis syndrome; Gaucher splenomegaly; Sphingolipidosis 1; Glucocerebrosidosis; Glucosylceramidase deficiency. Identifiers: Orphanet 355, MedGen C0017205, MONDO:0018150.

Submission:

Natera, Inc.
Classification: Likely pathogenic for Gaucher disease. Last evaluated: 2024-12-20. Review status: criteria provided, single submitter. Criteria: Natera Variant Classification Schema (03/2026). Collection method: clinical testing. Allele origin: germline.
Comment: The c.1109T>C variant in GBA1 is a missense variant predicted to cause substitution of phenylalanine to serine at amino acid 370. This variant is rare in the general population with a frequency below the threshold expected for the associated phenotype(s). This variant has been observed in one or more individuals affected with the associated recessive disease, as either homozygous or compound heterozygous with a second variant (PMID: 21889374). A different variant at the same position has been determined to be Pathogenic or Likely Pathogenic. Computational prediction algorithms indicate this variant is likely to affect gene or protein function. Given the available evidence, this variant is classified as Likely Pathogenic.

Literature cited by the submitters: PubMed 21889374.

NM_000157.4(GBA1):c.1109T>C (p.Phe370Ser)

Genes: GBA1 (glucosylceramidase beta 1; minus strand), LOC106627981 (GBA recombination region; plus strand). Cytogenetic location: 1q22.
Variant type: single nucleotide variant.
Coding change: c.1109T>C on transcript NM_000157.4 (MANE Select); coding-DNA position 1109, T replaced by C.
Protein change: p.Phe370Ser; replaces phenylalanine 370 with serine.
Molecular consequence: missense variant.
Genome position (GRCh38, 1-based): chr1:155,236,360, A>G on the plus strand (T>C on the coding strand, the complement: GBA1 is on the minus strand). VCF-style: chr1-155236360-A-G. GRCh37 (hg19) VCF-style: chr1-155206151-A-G.
Other names: c.1109T>C, p.Phe370Ser (NM_001005741.3, NM_001005742.3); c.848T>C, p.Phe283Ser (NM_001171811.2); c.962T>C, p.Phe321Ser (NM_001171812.2); short protein forms F283S, F321S, F370S.
Identifiers: ClinVar variation 4817672 (VCV004817672.1).